The following is an entry in ClinVar:

NM_001387430.1(SH2B1):c.1244C>T (p.Ser415Leu)

Gene: SH2B1 (SH2B adaptor protein 1; plus strand). Cytogenetic location: 16p11.2.
Variant type: single nucleotide variant.
Coding change: c.1244C>T on transcript NM_001387430.1 (MANE Select); coding-DNA position 1244, C replaced by T.
Protein change: p.Ser415Leu; replaces serine 415 with leucine.
Molecular consequence: missense variant.
Genome position (GRCh38, 1-based): chr16:28,869,318, C>T. VCF-style: chr16-28869318-C-T. GRCh37 (hg19) VCF-style: chr16-28880639-C-T.
Other names: c.1244C>T, p.Ser415Leu (NM_001145795.2, NM_001145796.2, NM_001145797.2 and 4 more transcripts); c.236C>T, p.Ser79Leu (NM_001308294.2); short protein forms S79L, S415L.
Identifiers: ClinVar variation 4989293 (VCV004989293.1).

ClinVar aggregate classification (germline): Uncertain significance (1 of 4 stars; one submission).

Conditions:
SH2B1-related disorder. Also called: SH2B1-related condition.

gnomAD v4.1: 6 of 1,614,136 alleles (0.00037%); highest among the groups gnomAD compares: South Asian, 0.0011%; no homozygotes.

Submission:

PreventionGenetics, part of Exact Sciences
Classification: Uncertain significance for SH2B1-related condition. Last evaluated: 2025-05-20. Review status: criteria provided, single submitter. Criteria: ACMG Guidelines, 2015. Collection method: clinical testing. Allele origin: germline.
Comment: The SH2B1 c.1244C>T variant is predicted to result in the amino acid substitution p.Ser415Leu. To our knowledge, this variant has not been reported in the literature. This variant is reported in 0.00088% of alleles in individuals of European (Non-Finnish) descent in gnomAD. At this time, the clinical significance of this variant is uncertain due to the absence of conclusive functional and genetic evidence.